The following is an entry in ClinVar:

NM_001083116.3(PRF1):c.1267C>T (p.Gln423Ter)

Gene: PRF1 (perforin 1; minus strand). Cytogenetic location: 10q22.1.
Variant type: single nucleotide variant.
Coding change: c.1267C>T on transcript NM_001083116.3 (MANE Select); coding-DNA position 1267, C replaced by T.
Protein change: p.Gln423Ter; replaces glutamine 423 with a stop codon.
Molecular consequence: nonsense.
Genome position (GRCh38, 1-based): chr10:70,598,454, G>A on the plus strand (C>T on the coding strand, the complement: PRF1 is on the minus strand). VCF-style: chr10-70598454-G-A. GRCh37 (hg19) VCF-style: chr10-72358210-G-A.
Other names: c.1267C>T, p.Gln423Ter (NM_005041.6); short protein forms Q423*.
Identifiers: ClinVar variation 1460060 (VCV001460060.7), dbSNP rs768953378, ClinGen allele CA5538778.
Genomic context (GRCh38, chr10:70,598,454, plus strand): 5'-AGAAGAGCTTCACATAGGCATCCGTGGCAGTGAACCAGTCCCCCCACAGGCCCCATGCTT[G>A]GATGAAGGTCACCTCCAGCTGGGCCAGGCCCCTCTGCCGAGGGCAGCAGTCCTGGGTGGT-3'

ClinVar aggregate classification (germline): Pathogenic/Likely pathogenic. Review status: criteria provided, multiple submitters, no conflicts (2 of 4 stars). 2 submissions from 2 submitters: Pathogenic (1); Likely pathogenic (1). Last evaluated 2025-05-12.

Conditions:
Familial hemophagocytic lymphohistiocytosis 2 (FHL2). Also called: PRF1-Related Familial Hemophagocytic Lymphohistiocytosis (PRF1-fHLH). Identifiers: Orphanet 540, MedGen C1863727, MONDO:0011337, OMIM 603553.
Aplastic anemia. Identifiers: Orphanet 182040, Orphanet 88, MedGen C0002874, MONDO:0015909, OMIM 609135, HP:0001915.

Allele frequency attached by ClinVar (database versions not stated): gnomAD exomes below 0.00001 and 0.00001; ExAC 0.00001; gnomAD 0.00001; TOPMed 0.00001.
gnomAD v4.1: 7 of 1,613,674 alleles (0.00043%); highest among the groups gnomAD compares: African/African-American, 0.004%; no homozygotes.

Submissions (2):

Labcorp Genetics (formerly Invitae), Labcorp
Classification: Pathogenic for Familial hemophagocytic lymphohistiocytosis 2. Last evaluated: 2025-05-12. Review status: criteria provided, single submitter. Criteria: Invitae Variant Classification Sherloc (09022015). Collection method: clinical testing. Allele origin: germline.
Comment: This sequence change creates a premature translational stop signal (p.Gln423*) in the PRF1 gene. While this is not anticipated to result in nonsense mediated decay, it is expected to disrupt the last 133 amino acid(s) of the PRF1 protein. This variant is present in population databases (rs768953378, gnomAD 0.007%). This variant has not been reported in the literature in individuals affected with PRF1-related conditions. ClinVar contains an entry for this variant (Variation ID: 1460060). This variant disrupts a region of the PRF1 protein in which other variant(s) (p.Gln446Pro) have been determined to be pathogenic (PMID: 25326637, 26450956). This suggests that this is a clinically significant region of the protein, and that variants that disrupt it are likely to be disease-causing. For these reasons, this variant has been classified as Pathogenic.

Baylor Genetics
Classification: Likely pathogenic for Aplastic anemia. Last evaluated: 2024-03-16. Review status: criteria provided, single submitter. Criteria: ACMG Guidelines, 2015. Collection method: clinical testing. Allele origin: unknown.

Literature cited by the submitters: PubMed 25326637 (cited by Labcorp Genetics (formerly Invitae), Labcorp); PubMed 26450956 (cited by Labcorp Genetics (formerly Invitae), Labcorp).